The following is an entry in ClinVar:

ClinVar aggregate classification (germline): Likely pathogenic (1 of 4 stars; one submission).

Submission:

Dasa
Classification: Likely pathogenic. Last evaluated: 2024-09-09. Review status: criteria provided, single submitter. Criteria: DASA Assertion Criteria. Collection method: clinical testing. Allele origin: germline.
Comment: NM_005909.5(MAP1B):c.4283del (p.Pro1428Leufs*15) is a frameshift variant in MAP1B predicted to alter the reading frame and introduce a premature termination codon and is predicted to result in an absent or altered protein product. Loss of function is an established disease mechanism for MAP1B-associated disorders. Also, this variant is absent from population databases. Based on the currently available evidence, this variant is classified as likely pathogenic.

NM_005909.5(MAP1B):c.4283del (p.Pro1428fs)

Gene: MAP1B (microtubule associated protein 1B; plus strand). Cytogenetic location: 5q13.2.
Variant type: Deletion.
Coding change: c.4283del on transcript NM_005909.5 (MANE Select); coding-DNA position 4283, one base deleted (C; older notation c.4283delC).
Protein change: p.Pro1428fs; shifts the reading frame from proline 1428.
Molecular consequence: frameshift variant.
Genome position (GRCh38, 1-based): chr5:72,197,638, C deleted; the last of 2 consecutive C bases (chr5:72,197,637-72,197,638); deleting either gives the same sequence. VCF-style (leftmost placement, unchanged base first): chr5-72197636-TC-T. GRCh37 (hg19) VCF-style: chr5-71493463-TC-T.
Other names: c.3905del, p.Pro1302fs (NM_001324255.2); short protein forms P1302fs, P1428fs.
Identifiers: ClinVar variation 4884243 (VCV004884243.2).